The following is an entry in ClinVar:

NM_005476.7(GNE):c.624T>G (p.Asp208Glu)

Gene: GNE (glucosamine (UDP-N-acetyl)-2-epimerase/N-acetylmannosamine kinase; minus strand). Cytogenetic location: 9p13.3.
Variant type: single nucleotide variant.
Coding change: c.624T>G on transcript NM_005476.7 (MANE Select); coding-DNA position 624, T replaced by G.
Protein change: p.Asp208Glu; replaces aspartic acid 208 with glutamic acid.
Molecular consequence: missense variant. On other transcripts: intron variant (2).
Genome position (GRCh38, 1-based): chr9:36,236,977, A>C on the plus strand (T>G on the coding strand, the complement: GNE is on the minus strand). VCF-style: chr9-36236977-A-C. GRCh37 (hg19) VCF-style: chr9-36236974-A-C.
Other names: p.Asp239Glu; c.717T>G, p.Asp239Glu (NM_001128227.3); c.624T>G, p.Asp208Glu (NM_001190383.3); c.447T>G, p.Asp149Glu (NM_001190388.2, NM_001374798.1); c.440-2845T>G (NM_001190384.3); c.617-2845T>G (NM_001374797.1); short protein forms D239E, D208E, D149E.
Identifiers: ClinVar variation 287949 (VCV000287949.47), dbSNP rs35224402, ClinGen allele CA5056682.

ClinVar aggregate classification (germline): Benign/Likely benign. Review status: criteria provided, multiple submitters, no conflicts (2 of 4 stars). 8 submissions from 8 submitters: Benign (5); Likely benign (3). Last evaluated 2026-08-01.

Conditions:
GNE myopathy (NM). Also called: INCLUSION BODY MYOPATHY, HEREDITARY, AUTOSOMAL RECESSIVE; INCLUSION BODY MYOPATHY 2, AUTOSOMAL RECESSIVE; MYOPATHY, DISTAL, WITH OR WITHOUT RIMMED VACUOLES; IBM 2; Inclusion body myopathy autosomal recessive; Inclusion body myopathy quadriceps sparing. Identifiers: Orphanet 602, MedGen C1853926, MONDO:0011603, OMIM 605820.
Sialuria. Also called: Sialic Acid Storage Disease; SIALURIA, FRENCH TYPE. Identifiers: Orphanet 3166, MedGen C0342853, MONDO:0010028, OMIM 269921.

Allele frequency attached by ClinVar (database versions not stated): gnomAD 0.00389 and 0.00362; TOPMed 0.00428; ESP Exome Variant Server 0.00461; gnomAD exomes 0.00090; ExAC 0.00093; 1000 Genomes Project 30x 0.00344; 1000 Genomes Project 0.00359.
gnomAD v4.1: 1,119 of 1,609,878 alleles (0.07%); highest among the groups gnomAD compares: African/African-American, 1.3%; 11 homozygotes.

Submissions (10):

CeGaT Center for Human Genetics Tuebingen
Classification: Likely benign. Last evaluated: 2026-08-01. Review status: criteria provided, single submitter. Criteria: CeGaT Center For Human Genetics Tuebingen Variant Classification Criteria Version 2. Collection method: clinical testing. Allele origin: germline. Affected: yes. Observed: 4 variant alleles.
Comment: GNE: PM5, BS2

Labcorp Genetics (formerly Invitae), Labcorp
Classification: Benign for Sialuria; GNE myopathy. Last evaluated: 2026-01-28. Review status: criteria provided, single submitter. Criteria: Invitae Variant Classification Sherloc (09022015). Collection method: clinical testing. Allele origin: germline.

Mayo Clinic Laboratories, Mayo Clinic
Classification: Likely benign. Last evaluated: 2025-09-09. Review status: criteria provided, single submitter. Criteria: ACMG Guidelines, 2015. Collection method: clinical testing. Allele origin: germline. Observed: 7 variant alleles.
Comment: BS1

Athena Diagnostics
Classification: Benign. Last evaluated: 2024-10-18. Review status: criteria provided, single submitter. Criteria: Athena Diagnostics Criteria. Collection method: clinical testing. Allele origin: unknown.

Fulgent Genetics
Classification: Likely benign for Sialuria; GNE myopathy. Last evaluated: 2021-11-23. Review status: criteria provided, single submitter. Criteria: ACMG Guidelines, 2015. Collection method: clinical testing. Allele origin: unknown.

GeneDx
Classification: Benign. Last evaluated: 2020-07-13. Review status: criteria provided, single submitter. Criteria: GeneDx Variant Classification Process June 2021. Collection method: clinical testing. Allele origin: germline. Affected: yes.
Comment: This variant is associated with the following publications: (PMID: 24796702, 27858732, 33094863)

Laboratorio de Genetica e Diagnostico Molecular, Hospital Israelita Albert Einstein
Classification: Benign. Last evaluated: 2020-02-25. Review status: criteria provided, single submitter. Criteria: ACMG Guidelines, 2015. Collection method: clinical testing. Allele origin: germline. Affected: yes.
Comment: ACMG classification criteria: BS1, BS2

Eurofins Ntd Llc (ga)
Classification: Benign. Last evaluated: 2016-05-24. Review status: criteria provided, single submitter. Criteria: EGL Classification Definitions 2015. Collection method: clinical testing. Allele origin: germline. Observed: 1 variant allele, 1 heterozygote.

Dr. Peter K. Rogan Lab, Western University
No classification provided (evidence only). Condition: Clear cell carcinoma of kidney. Review status: no classification provided. Collection method: in vitro. Allele origin: not applicable. Functional consequence: skipped exon. Not counted in ClinVar's aggregate classification.

Dr. Peter K. Rogan Lab, Western University
No classification provided (evidence only). Condition: Thyroid cancer, nonmedullary, 1. Review status: no classification provided. Collection method: in vitro. Allele origin: not applicable. Functional consequence: skipped exon. Not counted in ClinVar's aggregate classification.

Literature cited by the submitters: PubMed 27858732 (cited by Athena Diagnostics).